The following is an entry in ClinVar:

ClinVar aggregate classification (germline): Uncertain significance. Review status: criteria provided, multiple submitters, no conflicts (2 of 4 stars). 7 submissions from 6 submitters: Uncertain significance (6). 1 of the submissions does not count toward it. Last evaluated 2026-08-28.

Conditions:
Retinitis pigmentosa 39 (RP39). Identifiers: Orphanet 791, MedGen C3151138, MONDO:0013436, OMIM 613809.
USH2A-related disorder. Also called: USH2A-related disorders; USH2A-related condition. Identifiers: MedGen CN239332.
Usher syndrome type 2A. Also called: RETINAL DISEASE IN USHER SYNDROME TYPE IIA, MODIFIER OF; USHER SYNDROME, TYPE IIA. Identifiers: Orphanet 231178, Orphanet 886, MedGen C1848634, MONDO:0010169, OMIM 276901.

Allele frequency attached by ClinVar (database versions not stated): gnomAD exomes 0.00004 and 0.00006; ExAC 0.00006; gnomAD 0.00012 and 0.00014; ESP Exome Variant Server 0.00023; TOPMed 0.00023.
gnomAD v4.1: 101 of 1,613,996 alleles (0.0063%); highest among the groups gnomAD compares: African/African-American, 0.033%; no homozygotes.

Submissions (7):

PreventionGenetics, part of Exact Sciences
Classification: Uncertain significance for USH2A-related condition. Last evaluated: 2026-08-28. Review status: criteria provided, single submitter. Criteria: ACMG Guidelines, 2015. Collection method: clinical testing. Allele origin: germline.
Comment: The USH2A c.13477C>T variant is predicted to result in the amino acid substitution p.Arg4493Cys. To our knowledge, this variant has not been reported in the literature. This variant is reported in 0.032% of alleles in individuals of African descent in gnomAD. At this time, the clinical significance of this variant is uncertain due to the absence of conclusive functional and genetic evidence.

Labcorp Genetics (formerly Invitae), Labcorp
Classification: Uncertain significance. Last evaluated: 2024-10-21. Review status: criteria provided, single submitter. Criteria: Invitae Variant Classification Sherloc (09022015). Collection method: clinical testing. Allele origin: germline.
Comment: This sequence change replaces arginine, which is basic and polar, with cysteine, which is neutral and slightly polar, at codon 4493 of the USH2A protein (p.Arg4493Cys). This variant is present in population databases (rs144543286, gnomAD 0.02%). This variant has not been reported in the literature in individuals affected with USH2A-related conditions. ClinVar contains an entry for this variant (Variation ID: 969923). Invitae Evidence Modeling of protein sequence and biophysical properties (such as structural, functional, and spatial information, amino acid conservation, physicochemical variation, residue mobility, and thermodynamic stability) has been performed for this missense variant. However, the output from this modeling did not meet the statistical confidence thresholds required to predict the impact of this variant on USH2A protein function. In summary, the available evidence is currently insufficient to determine the role of this variant in disease. Therefore, it has been classified as a Variant of Uncertain Significance.

Blueprint Genetics
Classification: Uncertain significance. Last evaluated: 2024-05-06. Review status: criteria provided, single submitter. Criteria: ACMG Guidelines, 2015. Collection method: clinical testing. Allele origin: germline.

Genome-Nilou Lab
Classification: Uncertain significance for Retinitis pigmentosa 39. Last evaluated: 2023-11-04. Review status: criteria provided, single submitter. Criteria: ACMG Guidelines, 2015. Collection method: clinical testing. Allele origin: germline. Affected: no.

Genome-Nilou Lab
Classification: Uncertain significance for Usher syndrome type 2A. Last evaluated: 2023-11-04. Review status: criteria provided, single submitter. Criteria: ACMG Guidelines, 2015. Collection method: clinical testing. Allele origin: germline. Affected: no.

Fulgent Genetics
Classification: Uncertain significance for Usher syndrome type 2A; Retinitis pigmentosa 39. Last evaluated: 2022-03-31. Review status: criteria provided, single submitter. Criteria: ACMG Guidelines, 2015. Collection method: clinical testing. Allele origin: unknown.

Natera, Inc.
Classification: Uncertain significance for Usher syndrome type 2A. Last evaluated: 2019-11-06. Review status: no assertion criteria provided. Collection method: clinical testing. Allele origin: germline. Not counted in ClinVar's aggregate classification.

NM_206933.4(USH2A):c.13477C>T (p.Arg4493Cys)

Gene: USH2A (usherin; minus strand). Cytogenetic location: 1q41.
Variant type: single nucleotide variant.
Coding change: c.13477C>T on transcript NM_206933.4 (MANE Select); coding-DNA position 13477, C replaced by T.
Protein change: p.Arg4493Cys; replaces arginine 4493 with cysteine.
Molecular consequence: missense variant.
Genome position (GRCh38, 1-based): chr1:215,674,434, G>A on the plus strand (C>T on the coding strand, the complement: USH2A is on the minus strand). VCF-style: chr1-215674434-G-A. GRCh37 (hg19) VCF-style: chr1-215847776-G-A.
Other names: short protein forms R4493C.
Identifiers: ClinVar variation 969923 (VCV000969923.9), dbSNP rs144543286, ClinGen allele CA1393284.